The following is an entry in ClinVar:

NM_001206744.2(TPO):c.2421dup (p.Cys808fs)

Genes: LALTOP (lung cancer associated lncRNA targeting TOP2A; minus strand), TPO (thyroid peroxidase; plus strand). Cytogenetic location: 2p25.3.
Variant type: Duplication.
Coding change: c.2421dup on transcript NM_001206744.2 (MANE Select); coding-DNA position 2421, one base duplicated (C; older notation c.2421dupC).
Protein change: p.Cys808fs; shifts the reading frame from cysteine 808.
Molecular consequence: frameshift variant. On other transcripts: intron variant (1).
Genome position (GRCh38, 1-based): chr2:1,503,982, C duplicated; the last of 7 consecutive C bases (chr2:1,503,976-1,503,982); duplicating any one gives the same sequence. VCF-style (leftmost placement, unchanged base first): chr2-1503975-A-AC. GRCh37 (hg19) VCF-style: chr2-1507747-A-AC.
Other names: c.2421dup, p.Cys808fs (NM_000547.6); c.2250dup, p.Cys751fs (NM_001206745.2, NM_175719.4); c.1902dup, p.Cys635fs (NM_175722.3); c.2386+7217dup (NM_175721.3); short protein forms C635fs, C751fs, C808fs.
Identifiers: ClinVar variation 4047 (VCV000004047.10), dbSNP rs760307139, ClinGen allele CA1512112.

ClinVar aggregate classification (germline): Pathogenic/Likely pathogenic. Review status: criteria provided, multiple submitters, no conflicts (2 of 4 stars). 7 submissions from 7 submitters: Pathogenic (5); Likely pathogenic (1). 1 of the submissions does not count toward it. Last evaluated 2024-07-24.

Conditions:
TPO-related disorder. Also called: TPO-related condition.
Multiple congenital anomalies/dysmorphic syndrome-intellectual disability. Identifiers: Orphanet 102283, MedGen C5680372, MONDO:0015159.
Deficiency of iodide peroxidase (TDH2A). Also called: Thyroid dyshormonogenesis 2A; THYROID HORMONOGENESIS, GENETIC DEFECT IN, 2A; THYROID PEROXIDASE DEFICIENCY; HYPOTHYROIDISM, CONGENITAL, DUE TO DYSHORMONOGENESIS, 2A; IODIDE PEROXIDASE DEFICIENCY. Identifiers: Orphanet 95716, MedGen C1291299, MONDO:0010133, OMIM 274500.

Submissions (7):

GeneDx
Classification: Pathogenic. Last evaluated: 2024-07-24. Review status: criteria provided, single submitter. Criteria: GeneDx Variant Classification Process June 2021. Collection method: clinical testing. Allele origin: germline.
Comment: Not observed at significant frequency in large population cohorts (gnomAD); Frameshift variant predicted to result in protein truncation or nonsense mediated decay in a gene for which loss of function is a known mechanism of disease; This variant is associated with the following publications: (PMID: 34200080, 34780050, 7550241, 38105685, 21900383)

Blueprint Genetics
Classification: Pathogenic for TPO-related disorders. Last evaluated: 2024-07-22. Review status: criteria provided, single submitter. Criteria: ACMG Guidelines, 2015. Collection method: clinical testing. Allele origin: germline. Affected: yes. Observed: 4 variant alleles.

Fulgent Genetics
Classification: Pathogenic for Deficiency of iodide peroxidase. Last evaluated: 2024-05-31. Review status: criteria provided, single submitter. Criteria: ACMG Guidelines, 2015. Collection method: clinical testing. Allele origin: germline.

Labcorp Genetics (formerly Invitae), Labcorp
Classification: Pathogenic. Last evaluated: 2024-03-01. Review status: criteria provided, single submitter. Criteria: Invitae Variant Classification Sherloc (09022015). Collection method: clinical testing. Allele origin: germline.
Comment: This sequence change creates a premature translational stop signal (p.Cys808Leufs*72) in the TPO gene. It is expected to result in an absent or disrupted protein product. Loss-of-function variants in TPO are known to be pathogenic (PMID: 11061528, 23236987, 25564141). The frequency data for this variant in the population databases is considered unreliable, as metrics indicate poor data quality at this position in the gnomAD database. This premature translational stop signal has been observed in individual(s) with TPO-related conditions (PMID: 34780050). ClinVar contains an entry for this variant (Variation ID: 4047). For these reasons, this variant has been classified as Pathogenic.

Department of Pathology and Laboratory Medicine, Sinai Health System
Classification: Likely pathogenic for Deficiency of iodide peroxidase. Last evaluated: 2023-03-28. Review status: criteria provided, single submitter. Criteria: ACMG Guidelines, 2015. Collection method: research. Allele origin: germline.

AURAGEN, Plan France Médecine Génomique
Classification: Pathogenic for Multiple congenital anomalies/dysmorphic syndrome-intellectual disability. Last evaluated: 2022-04-25. Review status: criteria provided, single submitter. Criteria: PFMG2025 (Lancet Reg Health Eur. 2025). Collection method: clinical testing. Allele origin: germline. Affected: yes.

OMIM
Classification: Pathogenic for THYROID DYSHORMONOGENESIS 2A. Last evaluated: 1998-11-01. Review status: no assertion criteria provided. Collection method: literature only. Allele origin: germline. Not counted in ClinVar's aggregate classification.

Literature cited by the submitters: PubMed 11061528 (cited by Labcorp Genetics (formerly Invitae), Labcorp); PubMed 23236987 (cited by Labcorp Genetics (formerly Invitae), Labcorp); PubMed 25564141 (cited by Labcorp Genetics (formerly Invitae), Labcorp); PubMed 34780050 (cited by Labcorp Genetics (formerly Invitae), Labcorp); PubMed 7550241 (cited by OMIM); PubMed 9814507 (cited by OMIM).